The following is an entry in ClinVar:

ClinVar aggregate classification (germline): Likely pathogenic (1 of 4 stars; one submission).

Conditions:
Fanconi anemia complementation group I (FANCI). Also called: FANCI-Related Fanconi Anemia. Identifiers: Orphanet 84, MedGen C1836861, MONDO:0012186, OMIM 609053.

Submission:

Juno Genomics, Hangzhou Juno Genomics, Inc
Classification: Likely pathogenic for Fanconi anemia complementation group I. Review status: criteria provided, single submitter. Criteria: ACMG Guidelines, 2015. Collection method: clinical testing. Allele origin: germline.
Comment: Null variant in a gene where loss of function (LOF) is a known mechanism of disease.;Absent from controls (or at extremely low frequency if recessive) in Genome Aggregation Database.

NM_001113378.2(FANCI):c.1698+1G>C

Gene: FANCI (FA complementation group I; plus strand). Cytogenetic location: 15q26.1.
Variant type: single nucleotide variant.
Coding change: c.1698+1G>C on transcript NM_001113378.2 (MANE Select); the canonical splice donor site of the intron after coding-DNA position 1698, G replaced by C.
Molecular consequence: splice donor variant.
Genome position (GRCh38, 1-based): chr15:89,283,251, G>C. VCF-style: chr15-89283251-G-C. GRCh37 (hg19) VCF-style: chr15-89826482-G-C.
Other names: c.1698+1G>C (NM_018193.3, NM_001376911.1); c.1419+1G>C (NM_001376910.1).
Identifiers: ClinVar variation 5005473 (VCV005005473.2).